The following is an entry in ClinVar:

ClinVar aggregate classification (germline): Uncertain significance (1 of 4 stars; one submission).

Conditions:
Neurodevelopmental disorder with or without hyperkinetic movements and seizures, autosomal dominant. Also called: Intellectual disability, autosomal dominant 8. Identifiers: MedGen C3280282, MONDO:0013655, OMIM 614254.

Submission:

Labcorp Genetics (formerly Invitae), Labcorp
Classification: Uncertain significance for Neurodevelopmental disorder with or without hyperkinetic movements and seizures, autosomal dominant. Last evaluated: 2024-11-18. Review status: criteria provided, single submitter. Criteria: Invitae Variant Classification Sherloc (09022015). Collection method: clinical testing. Allele origin: germline.
Comment: This sequence change replaces methionine, which is neutral and non-polar, with isoleucine, which is neutral and non-polar, at codon 154 of the GRIN1 protein (p.Met154Ile). This variant is not present in population databases (gnomAD no frequency). This variant has not been reported in the literature in individuals affected with GRIN1-related conditions. Invitae Evidence Modeling of protein sequence and biophysical properties (such as structural, functional, and spatial information, amino acid conservation, physicochemical variation, residue mobility, and thermodynamic stability) indicates that this missense variant is not expected to disrupt GRIN1 protein function with a negative predictive value of 95%. In summary, the available evidence is currently insufficient to determine the role of this variant in disease. Therefore, it has been classified as a Variant of Uncertain Significance.

NM_007327.4(GRIN1):c.462G>T (p.Met154Ile)

Gene: GRIN1 (glutamate ionotropic receptor NMDA type subunit 1; plus strand). Cytogenetic location: 9q34.3.
Variant type: single nucleotide variant.
Coding change: c.462G>T on transcript NM_007327.4 (MANE Select); coding-DNA position 462, G replaced by T.
Protein change: p.Met154Ile; replaces methionine 154 with isoleucine.
Molecular consequence: missense variant.
Genome position (GRCh38, 1-based): chr9:137,145,794, G>T. VCF-style: chr9-137145794-G-T. GRCh37 (hg19) VCF-style: chr9-140040246-G-T.
Other names: c.462G>T, p.Met154Ile (NM_000832.7, NM_001185090.2, NM_001185091.2 and 1 more transcripts); short protein forms M154I.
Identifiers: ClinVar variation 3654114 (VCV003654114.2).